The following is an entry in ClinVar:

NM_022437.3(ABCG8):c.1166C>T (p.Pro389Leu)

Gene: ABCG8 (ATP binding cassette subfamily G member 8; plus strand). Cytogenetic location: 2p21.
Variant type: single nucleotide variant.
Coding change: c.1166C>T on transcript NM_022437.3 (MANE Select); coding-DNA position 1166, C replaced by T.
Protein change: p.Pro389Leu; replaces proline 389 with leucine.
Molecular consequence: missense variant.
Genome position (GRCh38, 1-based): chr2:43,872,261, C>T. VCF-style: chr2-43872261-C-T. GRCh37 (hg19) VCF-style: chr2-44099400-C-T.
Other names: c.1163C>T, p.Pro388Leu (NM_001357321.2); short protein forms P389L, P388L.
Identifiers: ClinVar variation 2450760 (VCV002450760.2), dbSNP rs2466272907, ClinGen allele CA346669124.

ClinVar aggregate classification (germline): Uncertain significance (1 of 4 stars; one submission).

Conditions:
Cardiovascular phenotype. Identifiers: MedGen CN230736.

Allele frequency attached by ClinVar (database versions not stated): gnomAD exomes below 0.00001.
gnomAD v4.1: 1 of 1,613,970 alleles (0.000062%); highest among the groups gnomAD compares: Non-Finnish European, 0.000085%; no homozygotes.

Submission:

Ambry Genetics
Classification: Uncertain significance for Cardiovascular phenotype. Last evaluated: 2022-11-02. Review status: criteria provided, single submitter. Criteria: Ambry Variant Classification Scheme 2023. Collection method: clinical testing. Allele origin: germline.
Comment: The p.P389L variant (also known as c.1166C>T), located in coding exon 8 of the ABCG8 gene, results from a C to T substitution at nucleotide position 1166. The proline at codon 389 is replaced by leucine, an amino acid with similar properties. This amino acid position is conserved. In addition, this alteration is predicted to be tolerated by in silico analysis. Since supporting evidence is limited at this time, the clinical significance of this alteration remains unclear.